The following is an entry in ClinVar:

ClinVar aggregate classification (germline): Uncertain significance (0 of 4 stars; one submission).

Conditions:
CHEK2-related cancer predisposition (TPDS4). Also called: TUMOR PREDISPOSITION SYNDROME 4; CANCER PREDISPOSITION SYNDROME, CHEK2-RELATED; CHEK2-related cancer susceptibility. Identifiers: Orphanet 524, MedGen C5882668, MONDO:0700271, OMIM 609265.

Allele frequency attached by ClinVar (database versions not stated): gnomAD exomes below 0.00001.
gnomAD v4.1: 1 of 1,613,948 alleles (0.000062%); highest among the groups gnomAD compares: Admixed American, 0.0017%; no homozygotes.

Submission:

Department of Genetics, HCU Lozano Blesa
Classification: Uncertain significance for CHEK2-related cancer predisposition. Last evaluated: 2023-05-01. Review status: no assertion criteria provided. Collection method: clinical testing. Allele origin: germline. Affected: yes. Observed: 1 variant allele.
Comment: Variant summary: CHEK2 c.300G>T results in the replacement of Gln100 by a His residue (p.Gln100His). The variant was identified in 1 out of 396 patients analysed (freq: 0.0025, doi: 10.3389/fgene.2023.1274108). Gln100 is located in the FHA domain, is exposed to solvent, forms a hydrogen bond (H-bond) with Asn196, and is far (>10 Å) from any atom of the opposite FHA domain (i.e. from the dimerization surface) and from the catalytic center of CHEK2 protein. Its replacement by histidine at this position would imply the introduction of a positive charge. Our in-silico study on the protein stability based on relaxation molecular dynamics simulations (doi: 10.3389/fgene.2023.1274108) indicates that the variant is unlikely to induce structural destabilization. The variant is reported in gnomAD v4 (freq=1.6x10-4 %; 1 case in 628626 alleles). Only one submitter have assessed this variant in ClinVar (as of Uncertain Significance), while other replacements described at this position (Q100P, Q100R, and Q100K) appear classified in this database as of Uncertain Significance. The sequence conservation of the position is moderated (Gln100 is the second residue with the highest prevalence, where Gly predominates and Ala is also found with moderate conservation among CHEK2 similar sequences). The metapredictor PirePred (relies on verdicts from other 15 predictors or metapredictors), the AI-based predictor AlphaMissense, as well as the ACMG classification tool Franklin classify the variant as of Uncertain Significance. Since supporting evidence is limited at this time, the clinical significance of this variant remains unclear.

Literature cited by the submitters: DOI 10.3389/fgene.2023.1274108.

NM_007194.4(CHEK2):c.300G>T (p.Gln100His)

Gene: CHEK2 (checkpoint kinase 2; minus strand). Cytogenetic location: 22q12.1.
Variant type: single nucleotide variant.
Coding change: c.300G>T on transcript NM_007194.4 (MANE Select); coding-DNA position 300, G replaced by T.
Protein change: p.Gln100His; replaces glutamine 100 with histidine.
Molecular consequence: missense variant.
Genome position (GRCh38, 1-based): chr22:28,734,422, C>A on the plus strand (G>T on the coding strand, the complement: CHEK2 is on the minus strand). VCF-style: chr22-28734422-C-A. GRCh37 (hg19) VCF-style: chr22-29130410-C-A.
Other names: c.300G>T, p.Gln100His (NM_001005735.3, NM_001349956.3, NM_145862.3); c.-478G>T (NM_001257387.3); short protein forms Q100H.
Identifiers: ClinVar variation 2691812 (VCV002691812.1), dbSNP rs1456691189, ClinGen allele CA411090267.